The following is an entry in ClinVar:

NM_016373.4(WWOX):c.745C>A (p.Arg249Ser)

Gene: WWOX (WW domain containing oxidoreductase; plus strand). Cytogenetic location: 16q23.1.
Variant type: single nucleotide variant.
Coding change: c.745C>A on transcript NM_016373.4 (MANE Select); coding-DNA position 745, C replaced by A.
Protein change: p.Arg249Ser; replaces arginine 249 with serine.
Molecular consequence: missense variant.
Genome position (GRCh38, 1-based): chr16:78,425,009, C>A. VCF-style: chr16-78425009-C-A. GRCh37 (hg19) VCF-style: chr16-78458906-C-A.
Other names: c.406C>A, p.Arg136Ser (NM_001291997.2); short protein forms R249S, R136S.
Identifiers: ClinVar variation 451386 (VCV000451386.6), dbSNP rs749277249, ClinGen allele CA8183438.

ClinVar aggregate classification (germline): Uncertain significance. Review status: criteria provided, multiple submitters, no conflicts (2 of 4 stars). 2 submissions from 2 submitters: Uncertain significance (2). Last evaluated 2026-10-19.

Conditions:
Autosomal recessive spinocerebellar ataxia 12. Also called: SPINOCEREBELLAR ATAXIA WITH MENTAL RETARDATION AND EPILEPSY. Identifiers: Orphanet 284282, MedGen C3280452, MONDO:0013687, OMIM 614322.
Developmental and epileptic encephalopathy, 1 (DEE1). Also called: X-linked infantile spasms; West's syndrome; Tonic spasms with clustering, arrest of psychomotor development and hypsarrhythmia on EEG; X-Linked Infantile Spasm Syndrome; OHTAHARA SYNDROME, X-LINKED; Epileptic encephalopathy, early infantile, 1. Identifiers: MedGen C3463992, MONDO:0010632, OMIM 308350. Disease mechanism: loss of function.

Allele frequency attached by ClinVar (database versions not stated): TOPMed 0.00002.
gnomAD v4.1: 29 of 1,613,944 alleles (0.0018%); highest among the groups gnomAD compares: Non-Finnish European, 0.0025%; no homozygotes.

Submissions (2):

GeneDx
Classification: Uncertain significance. Last evaluated: 2026-10-19. Review status: criteria provided, single submitter. Criteria: GeneDx Variant Classification Process June 2021. Collection method: clinical testing. Allele origin: germline.
Comment: Not observed at significant frequency in large population cohorts (gnomAD); In silico analysis suggests that this missense variant does not alter protein structure/function; Has not been previously published as pathogenic or benign to our knowledge; This variant is associated with the following publications: (PMID: 25411445)

Labcorp Genetics (formerly Invitae), Labcorp
Classification: Uncertain significance for Developmental and epileptic encephalopathy, 1; Autosomal recessive spinocerebellar ataxia 12. Last evaluated: 2022-08-03. Review status: criteria provided, single submitter. Criteria: Invitae Variant Classification Sherloc (09022015). Collection method: clinical testing. Allele origin: germline.
Comment: This sequence change replaces arginine, which is basic and polar, with serine, which is neutral and polar, at codon 249 of the WWOX protein (p.Arg249Ser). This variant is present in population databases (rs749277249, gnomAD 0.004%). This variant has not been reported in the literature in individuals affected with WWOX-related conditions. ClinVar contains an entry for this variant (Variation ID: 451386). Algorithms developed to predict the effect of missense changes on protein structure and function are either unavailable or do not agree on the potential impact of this missense change (SIFT: "Not Available"; PolyPhen-2: "Benign"; Align-GVGD: "Not Available"). Algorithms developed to predict the effect of sequence changes on RNA splicing suggest that this variant may create or strengthen a splice site. In summary, the available evidence is currently insufficient to determine the role of this variant in disease. Therefore, it has been classified as a Variant of Uncertain Significance.